The following is an entry in ClinVar:

ClinVar aggregate classification (germline): Uncertain significance (1 of 4 stars; one submission).

Conditions:
Peroxisome biogenesis disorder 5A (Zellweger) (PBD5A). Identifiers: Orphanet 912, MedGen C3553940, MONDO:0013932, OMIM 614866.

Allele frequency attached by ClinVar (database versions not stated): gnomAD exomes below 0.00001 and 0.00001; gnomAD 0.00001; TOPMed 0.00001; ExAC 0.00002.
gnomAD v4.1: 7 of 1,613,872 alleles (0.00043%); highest among the groups gnomAD compares: African/African-American, 0.004%; no homozygotes.

Submission:

Labcorp Genetics (formerly Invitae), Labcorp
Classification: Uncertain significance for Peroxisome biogenesis disorder 5A (Zellweger). Last evaluated: 2021-08-30. Review status: criteria provided, single submitter. Criteria: Invitae Variant Classification Sherloc (09022015). Collection method: clinical testing. Allele origin: germline.
Comment: This sequence change replaces alanine with valine at codon 58 of the PEX2 protein (p.Ala58Val). The alanine residue is highly conserved and there is a small physicochemical difference between alanine and valine. The frequency data for this variant in the population databases is considered unreliable, as metrics indicate poor data quality at this position in the ExAC database. This variant has not been reported in the literature in individuals affected with PEX2-related conditions. Algorithms developed to predict the effect of missense changes on protein structure and function are either unavailable or do not agree on the potential impact of this missense change (SIFT: "Tolerated"; PolyPhen-2: "Possibly Damaging"; Align-GVGD: "Class C0"). Algorithms developed to predict the effect of sequence changes on RNA splicing suggest that this variant may create or strengthen a splice site. In summary, the available evidence is currently insufficient to determine the role of this variant in disease. Therefore, it has been classified as a Variant of Uncertain Significance.

NM_000318.3(PEX2):c.173C>T (p.Ala58Val)

Gene: PEX2 (peroxisomal biogenesis factor 2; minus strand). Cytogenetic location: 8q21.13.
Variant type: single nucleotide variant.
Coding change: c.173C>T on transcript NM_000318.3 (MANE Select); coding-DNA position 173, C replaced by T.
Protein change: p.Ala58Val; replaces alanine 58 with valine.
Molecular consequence: missense variant.
Genome position (GRCh38, 1-based): chr8:76,984,006, G>A on the plus strand (C>T on the coding strand, the complement: PEX2 is on the minus strand). VCF-style: chr8-76984006-G-A. GRCh37 (hg19) VCF-style: chr8-77896242-G-A.
Other names: c.173C>T, p.Ala58Val (NM_001079867.2, NM_001172086.2, NM_001172087.2); short protein forms A58V.
Identifiers: ClinVar variation 1396513 (VCV001396513.3), dbSNP rs760636932, ClinGen allele CA4788760.